The following is an entry in ClinVar:

ClinVar aggregate classification (germline): Uncertain significance. Review status: criteria provided, multiple submitters, no conflicts (2 of 4 stars). 3 submissions from 3 submitters: Uncertain significance (2). 1 of the submissions does not count toward it. Last evaluated 2021-11-26.

Conditions:
Cohen syndrome (COH1). Also called: PEPPER SYNDROME; Cutis verticis gyrata, retinitis pigmentosa, and sensorineural deafness. Identifiers: Orphanet 193, MedGen C0265223, MONDO:0008999, OMIM 216550.

Allele frequency attached by ClinVar (database versions not stated): gnomAD 0.00001; gnomAD exomes 0.00002.
gnomAD v4.1: 23 of 1,614,022 alleles (0.0014%); highest among the groups gnomAD compares: Non-Finnish European, 0.0019%; no homozygotes.

Submissions (3):

Blueprint Genetics
Classification: Uncertain significance. Last evaluated: 2021-11-26. Review status: criteria provided, single submitter. Criteria: ACMG Guidelines, 2015. Collection method: clinical testing. Allele origin: germline.

Labcorp Genetics (formerly Invitae), Labcorp
Classification: Uncertain significance for Cohen syndrome. Last evaluated: 2019-02-18. Review status: criteria provided, single submitter. Criteria: Invitae Variant Classification Sherloc (09022015). Collection method: clinical testing. Allele origin: germline.
Comment: This sequence change replaces glycine with arginine at codon 3670 of the VPS13B protein (p.Gly3670Arg). The glycine residue is highly conserved and there is a moderate physicochemical difference between glycine and arginine. This variant is not present in population databases (ExAC no frequency). This variant has not been reported in the literature in individuals with VPS13B-related conditions. Algorithms developed to predict the effect of missense changes on protein structure and function are either unavailable or do not agree on the potential impact of this missense change (SIFT: "Deleterious"; PolyPhen-2: "Probably Damaging"; Align-GVGD: "Class C0"). In summary, the available evidence is currently insufficient to determine the role of this variant in disease. Therefore, it has been classified as a Variant of Uncertain Significance.

Natera, Inc.
Classification: Uncertain significance for Cohen syndrome. Last evaluated: 2020-09-16. Review status: no assertion criteria provided. Collection method: clinical testing. Allele origin: germline. Not counted in ClinVar's aggregate classification.

NM_152564.5(VPS13B):c.10933G>A (p.Gly3645Arg)

Gene: VPS13B (vacuolar protein sorting 13 homolog B; plus strand). Cytogenetic location: 8q22.2.
Variant type: single nucleotide variant.
Coding change: c.10933G>A on transcript NM_152564.5 (MANE Select); coding-DNA position 10933, G replaced by A.
Protein change: p.Gly3645Arg; replaces glycine 3645 with arginine.
Molecular consequence: missense variant.
Genome position (GRCh38, 1-based): chr8:99,859,369, G>A. VCF-style: chr8-99859369-G-A. GRCh37 (hg19) VCF-style: chr8-100871597-G-A.
Other names: c.11008G>A, p.Gly3670Arg (NM_017890.5); short protein forms G3670R, G3645R.
Identifiers: ClinVar variation 862642 (VCV000862642.5), dbSNP rs61754108, ClinGen allele CA182318881.
Genomic context (GRCh38, chr8:99,859,369, plus strand): 5'-GTAGTTGGGTCTCTGGATATTCTTGGCAGCCCTGCAAGCCTGGTGAGAAGCATCGGGAAC[G>A]GGGTCGCCGACTTCTTCAGGCTTCCGTATGAGGGGCTGACCCGGGGCCCTGGAGCCTTCG-3'
Protein context (NP_689777.3, residues 3635-3655): PASLVRSIGN[Gly3645Arg]VADFFRLPYE